The following is an entry in ClinVar:

ClinVar aggregate classification (germline): Pathogenic (1 of 4 stars; one submission).

Submission:

ISCA site 4
Classification: Pathogenic. Last evaluated: 2011-08-12. Review status: criteria provided, single submitter. Criteria: Kaminsky et al. (Genet Med. 2011). Collection method: clinical testing. Allele origin: unknown. Affected: yes. Observed: 1 variant allele.
Comment: Copy number variation identified through the course of routine clinical cytogenomic testing in postnatal populations. Clinical assertions have been curated as described in Kaminsky et al. 2011.

GRCh38/hg38 4p16.3(chr4:72555-2108607)x1

Genes: ASPNAT (aspartate N-acetyltransferase; plus strand), ATP5ME (ATP synthase membrane subunit e; minus strand), CPLX1 (complexin 1; minus strand), CPLX1-AS1 (CPLX1 antisense RNA 1; plus strand), CRIPAK (cysteine rich PAK1 inhibitor; plus strand) and 134 more. Cytogenetic location: 4p16.3.
Variant type: copy number loss.
Change: copy number 1 (one copy instead of two) of chr4:72,555-2,108,607 (2.04 Mb, GRCh38 coordinates, 1-based), cytogenetic band 4p16.3.
Identifiers: ClinVar variation 161057 (VCV000161057.1).